The following is an entry in ClinVar:

NM_002471.4(MYH6):c.3342+5C>G

Gene: MYH6 (myosin heavy chain 6; minus strand). Cytogenetic location: 14q11.2.
Variant type: single nucleotide variant.
Coding change: c.3342+5C>G on transcript NM_002471.4 (MANE Select); 5 bases into the intron after coding-DNA position 3342, C replaced by G.
Molecular consequence: intron variant.
Genome position (GRCh38, 1-based): chr14:23,392,557, G>C on the plus strand (C>G on the coding strand, the complement: MYH6 is on the minus strand). VCF-style: chr14-23392557-G-C. GRCh37 (hg19) VCF-style: chr14-23861766-G-C.
Identifiers: ClinVar variation 3650736 (VCV003650736.2).

ClinVar aggregate classification (germline): Uncertain significance (1 of 4 stars; one submission).

Conditions:
Hypertrophic cardiomyopathy 14. Identifiers: MedGen C2750467, MONDO:0013197, OMIM 613251.

Submission:

Labcorp Genetics (formerly Invitae), Labcorp
Classification: Uncertain significance for Hypertrophic cardiomyopathy 14. Last evaluated: 2024-12-02. Review status: criteria provided, single submitter. Criteria: Invitae Variant Classification Sherloc (09022015). Collection method: clinical testing. Allele origin: germline.
Comment: This sequence change falls in intron 25 of the MYH6 gene. It does not directly change the encoded amino acid sequence of the MYH6 protein. It affects a nucleotide within the consensus splice site. This variant is not present in population databases (gnomAD no frequency). This variant has not been reported in the literature in individuals affected with MYH6-related conditions. Variants that disrupt the consensus splice site are a relatively common cause of aberrant splicing (PMID: 17576681, 9536098). Algorithms developed to predict the effect of sequence changes on RNA splicing suggest that this variant is not likely to affect RNA splicing. In summary, the available evidence is currently insufficient to determine the role of this variant in disease. Therefore, it has been classified as a Variant of Uncertain Significance.

Literature cited by the submitters: PubMed 17576681; PubMed 9536098.